The following is an entry in ClinVar:

NM_020442.6(VARS2):c.2698G>C (p.Glu900Gln)

Gene: VARS2 (valyl-tRNA synthetase 2, mitochondrial; plus strand). Cytogenetic location: 6p21.33.
Variant type: single nucleotide variant.
Coding change: c.2698G>C on transcript NM_020442.6 (MANE Select); coding-DNA position 2698, G replaced by C.
Protein change: p.Glu900Gln; replaces glutamic acid 900 with glutamine.
Molecular consequence: missense variant.
Genome position (GRCh38, 1-based): chr6:30,925,298, G>C. VCF-style: chr6-30925298-G-C. GRCh37 (hg19) VCF-style: chr6-30893075-G-C.
Other names: c.2278G>C, p.Glu760Gln (NM_001167733.3); c.2788G>C, p.Glu930Gln (NM_001167734.2); short protein forms E760Q, E900Q, E930Q.
Identifiers: ClinVar variation 3392801 (VCV003392801.1).

ClinVar aggregate classification (germline): Uncertain significance (1 of 4 stars; one submission).

gnomAD v4.1: 5 of 1,612,316 alleles (0.00031%); highest among the groups gnomAD compares: Non-Finnish European, 0.00034%; no homozygotes.

Submission:

GeneDx
Classification: Uncertain significance. Last evaluated: 2024-06-26. Review status: criteria provided, single submitter. Criteria: GeneDx Variant Classification Process June 2021. Collection method: clinical testing. Allele origin: germline. Affected: yes.
Comment: Not observed at significant frequency in large population cohorts (gnomAD); In silico analysis supports that this missense variant has a deleterious effect on protein structure/function; Has not been previously published as pathogenic or benign to our knowledge